The following is an entry in ClinVar:

ClinVar aggregate classification (germline): Uncertain significance (1 of 4 stars; one submission).

Conditions:
Inclusion body myopathy with Paget disease of bone and frontotemporal dementia. Also called: Inclusion body myopathy with early-onset Paget disease and frontotemporal dementia. Identifiers: Orphanet 52430, MedGen C1833662, MONDO:0000507.
Frontotemporal dementia and/or amyotrophic lateral sclerosis 6 (FTDALS6). Also called: VCP-Related Amyotrophic Lateral Sclerosis; VCP-Related Amyotrophic Lateral Sclerosis/Frontotemporal Dementia. Identifiers: Orphanet 275872, Orphanet 803, MedGen C5436279, MONDO:0013501, OMIM 613954.

Submission:

Labcorp Genetics (formerly Invitae), Labcorp
Classification: Uncertain significance for Inclusion body myopathy with Paget disease of bone and frontotemporal dementia; Frontotemporal dementia and/or amyotrophic lateral sclerosis 6. Last evaluated: 2026-01-15. Review status: criteria provided, single submitter. Criteria: Invitae Variant Classification Sherloc (09022015). Collection method: clinical testing. Allele origin: germline.
Comment: This sequence change replaces glycine, which is neutral and non-polar, with valine, which is neutral and non-polar, at codon 4 of the VCP protein (p.Gly4Val). This variant is not present in population databases (gnomAD no frequency). This variant has not been reported in the literature in individuals affected with VCP-related conditions. Invitae Evidence Modeling of protein sequence and biophysical properties (such as structural, functional, and spatial information, amino acid conservation, physicochemical variation, residue mobility, and thermodynamic stability) indicates that this missense variant is not expected to disrupt VCP protein function with a negative predictive value of 95%. In summary, the available evidence is currently insufficient to determine the role of this variant in disease. Therefore, it has been classified as a Variant of Uncertain Significance.

NM_007126.5(VCP):c.11G>T (p.Gly4Val)

Gene: VCP (valosin containing protein; minus strand). Cytogenetic location: 9p13.3.
Variant type: single nucleotide variant.
Coding change: c.11G>T on transcript NM_007126.5 (MANE Select); coding-DNA position 11, G replaced by T.
Protein change: p.Gly4Val; replaces glycine 4 with valine.
Molecular consequence: missense variant. On other transcripts: 5 prime UTR variant (2).
Genome position (GRCh38, 1-based): chr9:35,072,343, C>A on the plus strand (G>T on the coding strand, the complement: VCP is on the minus strand). VCF-style: chr9-35072343-C-A. GRCh37 (hg19) VCF-style: chr9-35072340-C-A.
Other names: c.-185G>T (NM_001354927.2); c.-705G>T (NM_001354928.2); short protein forms G4V.
Identifiers: ClinVar variation 4782713 (VCV004782713.1).